The following is an entry in ClinVar:

ClinVar aggregate classification (germline): Uncertain significance (1 of 4 stars; one submission).

Conditions:
Ehlers-Danlos syndrome, kyphoscoliotic type, 2. Also called: Ehlers-Danlos syndrome, kyphoscoliotic and deafness type; FKBP14-Kyphoscoliotic Ehlers-Danlos Syndrome; Ehlers-Danlos syndrome with progressive kyphoscoliosis, myopathy, and hearing loss. Identifiers: Orphanet 300179, MedGen C3281160, MONDO:0013800, OMIM 614557.

Submission:

Juno Genomics, Hangzhou Juno Genomics, Inc
Classification: Uncertain significance for Ehlers-Danlos syndrome, kyphoscoliotic type, 2. Review status: criteria provided, single submitter. Criteria: ACMG Guidelines, 2015. Collection method: clinical testing. Allele origin: germline. Affected: yes.
Comment: Absent from controls (or at extremely low frequency if recessive) in Genome Aggregation Database, Exome Sequencing Project, 1000 Genomes Project, or Exome Aggregation Consortium.;For recessive disorders, detected in trans with a pathogenic variant.;Patient's phenotype or family history is highly specific for a disease with a single genetic etiology.

NM_017946.4(FKBP14):c.626A>G (p.Asp209Gly)

Genes: FKBP14-AS1 (FKBP14 antisense RNA 1; plus strand), FKBP14 (FKBP prolyl isomerase 14; minus strand). Cytogenetic location: 7p14.3.
Variant type: single nucleotide variant.
Coding change: c.626A>G on transcript NM_017946.4 (MANE Select); coding-DNA position 626, A replaced by G.
Protein change: p.Asp209Gly; replaces aspartic acid 209 with glycine.
Molecular consequence: missense variant. On other transcripts: non-coding transcript variant (2).
Genome position (GRCh38, 1-based): chr7:30,014,745, T>C on the plus strand (A>G on the coding strand, the complement: FKBP14 is on the minus strand). VCF-style: chr7-30014745-T-C. GRCh37 (hg19) VCF-style: chr7-30054361-T-C.
Other names: short protein forms D209G.
Identifiers: ClinVar variation 3381931 (VCV003381931.2).